The following is an entry in ClinVar:

ClinVar aggregate classification (germline): Benign. Review status: reviewed by expert panel (3 of 4 stars). 8 submissions from 8 submitters: Benign (1). 7 of the submissions do not count toward it. Last evaluated 2023-12-19.

Conditions:
ITGB3-related disorder. Also called: ITGB3-related condition.
Thrombocytopenia. Identifiers: MedGen C0040034, MeSH D013921, MONDO:0002049, HP:0001873.
Abnormal bleeding. Also called: Bleeding diathesis. Identifiers: MedGen C1458140, HP:0001892.
Glanzmann thrombasthenia. Also called: THROMBASTHENIA OF GLANZMANN AND NAEGELI; Glanzmann's thrombasthenia; Thrombasthenia; PLATELET GLYCOPROTEIN IIb-IIIa DEFICIENCY. Identifiers: Orphanet 849, MedGen C0040015, MONDO:0100326.

Allele frequency attached by ClinVar (database versions not stated): gnomAD 0.00155 and 0.00152; ESP Exome Variant Server 0.00161; ExAC 0.00167; gnomAD exomes 0.00177; 1000 Genomes Project 30x 0.00109; 1000 Genomes Project 0.00120; TOPMed 0.00139.
gnomAD v4.1: 3,812 of 1,614,230 alleles (0.24%); highest among the groups gnomAD compares: Non-Finnish European, 0.28%; 9 homozygotes.

Submissions (8):

ClinGen Platelet Disorders Variant Curation Expert Panel, ClinGen
Classification: Benign for Glanzmann thrombasthenia. Last evaluated: 2023-12-19. Review status: reviewed by expert panel. Criteria: ClinGen Platelet ACMG Specifications v2-1. Collection method: curation. Allele origin: germline. Inheritance: Autosomal recessive inheritance.
Comment: The NM_000212.3(ITGB3):c.197T>G (p.Leu66Arg) missense variant was observed by Illumina as part of a predisposition screen in an ostensibly healthy population and has been reported in the literature in a blood donor cohort (PMID: 32110192) but has not been reported in a GT patient. There is not consensus among computational evidence as to whether there is an effect on the gene or gene product. The variant occurs at a frequency in gnomAD v4.0.0 of 0.002756 (3252/1180038 alleles) in the European (non-Finnish) population, which is higher than the ClinGen PD VCEP BA1 threshold (>0.0024), and therefore meets this criterion (BA1). In summary this variant meets criteria for classification as Benign for Glanzmann thrombasthenia. GT-specific criteria applied: BA1.

Labcorp Genetics (formerly Invitae), Labcorp
Classification: Likely benign. Last evaluated: 2026-01-27. Review status: criteria provided, single submitter. Criteria: Invitae Variant Classification Sherloc (09022015). Collection method: clinical testing. Allele origin: germline. Not counted in ClinVar's aggregate classification.

Blueprint Genetics
Classification: Uncertain significance. Last evaluated: 2024-11-18. Review status: criteria provided, single submitter. Criteria: ACMG Guidelines, 2015. Collection method: clinical testing. Allele origin: germline. Not counted in ClinVar's aggregate classification.

Women's Health and Genetics/Laboratory Corporation of America, LabCorp
Classification: Benign. Last evaluated: 2024-05-30. Review status: criteria provided, single submitter. Criteria: LabCorp Variant Classification Summary - May 2015. Collection method: clinical testing. Allele origin: germline. Not counted in ClinVar's aggregate classification.
Comment: Variant summary: ITGB3 c.197T>G (p.Leu66Arg) results in a non-conservative amino acid change located in the PSI domain (IPR016201) of the encoded protein sequence. Four of five in-silico tools predict a damaging effect of the variant on protein function. The variant allele was found at a frequency of 0.0018 in 282772 control chromosomes, predominantly at a frequency of 0.0037 within the Non-Finnish European subpopulation in the gnomAD database. The observed variant frequency within Non-Finnish European control individuals in the gnomAD database exceeds the estimated maximal expected allele frequency for a pathogenic variant in ITGB3 causing Glanzmann Thrombasthenia 2 phenotype. To our knowledge, no occurrence of c.197T>G in individuals affected with Glanzmann Thrombasthenia 2 and no experimental evidence demonstrating its impact on protein function have been reported. ClinVar contains an entry for this variant (Variation ID: 695335). Based on the evidence outlined above, the variant was classified as benign.

Mayo Clinic Laboratories, Mayo Clinic
Classification: Benign. Last evaluated: 2024-01-29. Review status: criteria provided, single submitter. Criteria: ACMG Guidelines, 2015. Collection method: clinical testing. Allele origin: germline. Observed: 2 variant alleles. Not counted in ClinVar's aggregate classification.
Comment: BA1, BP6

Illumina Laboratory Services, Illumina
Classification: Uncertain significance for Glanzmann thrombasthenia 1. Last evaluated: 2017-04-27. Review status: criteria provided, single submitter. Criteria: ICSL Variant Classification Criteria 13 December 2019. Collection method: clinical testing. Allele origin: germline. Not counted in ClinVar's aggregate classification.

PreventionGenetics, part of Exact Sciences
Classification: Likely benign for ITGB3-related condition. Last evaluated: 2024-07-24. Review status: no assertion criteria provided. Collection method: clinical testing. Allele origin: germline. Not counted in ClinVar's aggregate classification.
Comment: This variant is classified as likely benign based on ACMG/AMP sequence variant interpretation guidelines (Richards et al. 2015 PMID: 25741868, with internal and published modifications).

Birmingham Platelet Group; University of Birmingham
Classification: Uncertain significance for Thrombocytopenia; Abnormal bleeding. Last evaluated: 2020-05-01. Review status: no assertion criteria provided. Collection method: research. Allele origin: germline. Affected: yes. Not counted in ClinVar's aggregate classification.

Literature cited by the submitters: PubMed 16080610 (cited by Mayo Clinic Laboratories, Mayo Clinic); PubMed 36672149 (cited by Mayo Clinic Laboratories, Mayo Clinic).

NM_000212.3(ITGB3):c.197T>G (p.Leu66Arg)

Gene: ITGB3 (integrin subunit beta 3; plus strand). Cytogenetic location: 17q21.32.
Variant type: single nucleotide variant.
Coding change: c.197T>G on transcript NM_000212.3 (MANE Select); coding-DNA position 197, T replaced by G.
Protein change: p.Leu66Arg; replaces leucine 66 with arginine.
Molecular consequence: missense variant.
Genome position (GRCh38, 1-based): chr17:47,283,385, T>G. VCF-style: chr17-47283385-T-G. GRCh37 (hg19) VCF-style: chr17-45360751-T-G.
Other names: short protein forms L66R.
Identifiers: ClinVar variation 695335 (VCV000695335.19), dbSNP rs36080296, ClinGen allele CA8622895.